The following is an entry in ClinVar:

NM_194248.3(OTOF):c.229C>T (p.Leu77Phe)

Gene: OTOF (otoferlin; minus strand). Cytogenetic location: 2p23.3.
Variant type: single nucleotide variant.
Coding change: c.229C>T on transcript NM_194248.3 (MANE Select); coding-DNA position 229, C replaced by T.
Protein change: p.Leu77Phe; replaces leucine 77 with phenylalanine.
Molecular consequence: missense variant.
Genome position (GRCh38, 1-based): chr2:26,519,108, G>A on the plus strand (C>T on the coding strand, the complement: OTOF is on the minus strand). VCF-style: chr2-26519108-G-A. GRCh37 (hg19) VCF-style: chr2-26741976-G-A.
Other names: c.229C>T, p.Leu77Phe (NM_001287489.2); short protein forms L77F.
Identifiers: ClinVar variation 2503245 (VCV002503245.1), dbSNP rs368178451, ClinGen allele CA1564742.
Genomic context (GRCh38, chr2:26,519,108, plus strand): 5'-TCACCTCCACATGGCTCTCCTCTACCACCTTCTGCAGCACCATGCGGAAGGTCCCGATGA[G>A]CCTGGGGATGGCAGAGGGGGCACGGTGGTAACATGGAAGAGACCAGGGTGAGGAGCAAGA-3'
Protein context (NP_919224.1, residues 67-87): FNYSKVFSNK[Leu77Phe]IGTFRMVLQK

ClinVar aggregate classification (germline): Uncertain significance (1 of 4 stars; one submission).

Allele frequency attached by ClinVar (database versions not stated): TOPMed 0.00002; gnomAD 0.00003; gnomAD exomes 0.00003; ExAC 0.00005; ESP Exome Variant Server 0.00008.
gnomAD v4.1: 46 of 1,591,762 alleles (0.0029%); highest among the groups gnomAD compares: Non-Finnish European, 0.0039%; 1 homozygote.

Submission:

GeneDx
Classification: Uncertain significance. Last evaluated: 2023-05-10. Review status: criteria provided, single submitter. Criteria: GeneDx Variant Classification Process June 2021. Collection method: clinical testing. Allele origin: germline. Affected: yes.
Comment: Not observed at significant frequency in large population cohorts (gnomAD); In silico analysis supports that this missense variant does not alter protein structure/function; Has not been previously published as pathogenic or benign to our knowledge